The following is an entry in ClinVar:

NM_001077653.2(TBX20):c.265A>T (p.Thr89Ser)

Gene: TBX20 (T-box transcription factor 20; minus strand). Cytogenetic location: 7p14.2.
Variant type: single nucleotide variant.
Coding change: c.265A>T on transcript NM_001077653.2 (MANE Select); coding-DNA position 265, A replaced by T.
Protein change: p.Thr89Ser; replaces threonine 89 with serine.
Molecular consequence: missense variant.
Genome position (GRCh38, 1-based): chr7:35,250,066, T>A on the plus strand (A>T on the coding strand, the complement: TBX20 is on the minus strand). VCF-style: chr7-35250066-T-A. GRCh37 (hg19) VCF-style: chr7-35289678-T-A.
Other names: c.265A>T, p.Thr89Ser (NM_001166220.1); short protein forms T89S.
Identifiers: ClinVar variation 2847903 (VCV002847903.4), dbSNP rs772683573, ClinGen allele CA4217549.

ClinVar aggregate classification (germline): Uncertain significance. Review status: criteria provided, multiple submitters, no conflicts (2 of 4 stars). 2 submissions from 2 submitters: Uncertain significance (2). Last evaluated 2024-11-13.

Conditions:
Cardiovascular phenotype. Identifiers: MedGen CN230736.

Allele frequency attached by ClinVar (database versions not stated): ExAC 0.00001.

Submissions (2):

Ambry Genetics
Classification: Uncertain significance for Cardiovascular phenotype. Last evaluated: 2024-11-13. Review status: criteria provided, single submitter. Criteria: Ambry Variant Classification Scheme 2023. Collection method: clinical testing. Allele origin: germline.
Comment: The p.T89S variant (also known as c.265A>T), located in coding exon 2 of the TBX20 gene, results from an A to T substitution at nucleotide position 265. The threonine at codon 89 is replaced by serine, an amino acid with similar properties. This amino acid position is conserved. In addition, this alteration is predicted to be tolerated by in silico analysis. Based on the available evidence, the clinical significance of this variant remains unclear.

Labcorp Genetics (formerly Invitae), Labcorp
Classification: Uncertain significance. Last evaluated: 2023-03-20. Review status: criteria provided, single submitter. Criteria: Invitae Variant Classification Sherloc (09022015). Collection method: clinical testing. Allele origin: germline.
Comment: In summary, the available evidence is currently insufficient to determine the role of this variant in disease. Therefore, it has been classified as a Variant of Uncertain Significance. Advanced modeling of protein sequence and biophysical properties (such as structural, functional, and spatial information, amino acid conservation, physicochemical variation, residue mobility, and thermodynamic stability) performed at Invitae indicates that this missense variant is not expected to disrupt TBX20 protein function. This variant has not been reported in the literature in individuals affected with TBX20-related conditions. This variant is present in population databases (rs772683573, gnomAD 0.003%). This sequence change replaces threonine, which is neutral and polar, with serine, which is neutral and polar, at codon 89 of the TBX20 protein (p.Thr89Ser).